The following is an entry in ClinVar:

NM_018896.5(CACNA1G):c.1546C>T (p.Arg516Trp)

Gene: CACNA1G (calcium voltage-gated channel subunit alpha1 G; plus strand). Cytogenetic location: 17q21.33.
Variant type: single nucleotide variant.
Coding change: c.1546C>T on transcript NM_018896.5 (MANE Select); coding-DNA position 1546, C replaced by T.
Protein change: p.Arg516Trp; replaces arginine 516 with tryptophan.
Molecular consequence: missense variant. On other transcripts: non-coding transcript variant (5).
Genome position (GRCh38, 1-based): chr17:50,575,948, C>T. VCF-style: chr17-50575948-C-T. GRCh37 (hg19) VCF-style: chr17-48653309-C-T.
Other names: c.1546C>T, p.Arg516Trp (NM_001256324.2, NM_001256325.2, NM_001256326.2 and 24 more transcripts); c.1546C>T (NM_018896.3); short protein forms R516W.
Identifiers: ClinVar variation 1945497 (VCV001945497.6), dbSNP rs745758403, ClinGen allele CA8652191.

ClinVar aggregate classification (germline): Conflicting classifications of pathogenicity. Review status: criteria provided, conflicting classifications (1 of 4 stars). 2 submissions from 2 submitters: Uncertain significance (1); Likely benign (1). Last evaluated 2025-08-21.

Conditions:
Inborn genetic diseases. Identifiers: MedGen C0950123, MeSH D030342.

Allele frequency attached by ClinVar (database versions not stated): gnomAD 0.00003; gnomAD exomes 0.00003; TOPMed 0.00004; ExAC 0.00005.

Submissions (2):

Labcorp Genetics (formerly Invitae), Labcorp
Classification: Uncertain significance. Last evaluated: 2025-08-21. Review status: criteria provided, single submitter. Criteria: Invitae Variant Classification Sherloc (09022015). Collection method: clinical testing. Allele origin: germline.
Comment: This sequence change replaces arginine, which is basic and polar, with tryptophan, which is neutral and slightly polar, at codon 516 of the CACNA1G protein (p.Arg516Trp). This variant is present in population databases (rs745758403, gnomAD 0.02%), and has an allele count higher than expected for a pathogenic variant. This variant has not been reported in the literature in individuals affected with CACNA1G-related conditions. ClinVar contains an entry for this variant (Variation ID: 1945497). Invitae Evidence Modeling of protein sequence and biophysical properties (such as structural, functional, and spatial information, amino acid conservation, physicochemical variation, residue mobility, and thermodynamic stability) has been performed for this missense variant. However, the output from this modeling did not meet the statistical confidence thresholds required to predict the impact of this variant on CACNA1G protein function. In summary, the available evidence is currently insufficient to determine the role of this variant in disease. Therefore, it has been classified as a Variant of Uncertain Significance.

Ambry Genetics
Classification: Likely benign for Inborn genetic diseases. Last evaluated: 2025-03-07. Review status: criteria provided, single submitter. Criteria: Ambry Variant Classification Scheme 2023. Collection method: clinical testing. Allele origin: germline.